The following is an entry in ClinVar:

NM_005359.6(SMAD4):c.1447+4A>C

Gene: SMAD4 (SMAD family member 4; plus strand). Cytogenetic location: 18q21.2.
Variant type: single nucleotide variant.
Coding change: c.1447+4A>C on transcript NM_005359.6 (MANE Select); 4 bases into the intron after coding-DNA position 1447, A replaced by C.
Molecular consequence: intron variant.
Genome position (GRCh38, 1-based): chr18:51,076,780, A>C. VCF-style: chr18-51076780-A-C. GRCh37 (hg19) VCF-style: chr18-48603150-A-C.
Other names: c.1447+4A>C (NM_001407042.1, NM_001407041.1).
Identifiers: ClinVar variation 4736161 (VCV004736161.1).

ClinVar aggregate classification (germline): Uncertain significance (1 of 4 stars; one submission).

Conditions:
Juvenile polyposis syndrome (JPS). Identifiers: Orphanet 2929, MedGen C0345893, MONDO:0017380, OMIM 174900.

Submission:

Labcorp Genetics (formerly Invitae), Labcorp
Classification: Uncertain significance for Juvenile polyposis syndrome. Last evaluated: 2025-12-01. Review status: criteria provided, single submitter. Criteria: Invitae Variant Classification Sherloc (09022015). Collection method: clinical testing. Allele origin: germline.
Comment: This sequence change falls in intron 11 of the SMAD4 gene. It does not directly change the encoded amino acid sequence of the SMAD4 protein. It affects a nucleotide within the consensus splice site. This variant is not present in population databases (gnomAD no frequency). This variant has not been reported in the literature in individuals affected with SMAD4-related conditions. Variants that disrupt the consensus splice site are a relatively common cause of aberrant splicing (PMID: 17576681, 9536098). Algorithms developed to predict the effect of sequence changes on RNA splicing suggest that this variant is not likely to affect RNA splicing. In summary, the available evidence is currently insufficient to determine the role of this variant in disease. Therefore, it has been classified as a Variant of Uncertain Significance.

Literature cited by the submitters: PubMed 17576681; PubMed 9536098.